The following is an entry in ClinVar:

NM_005560.6(LAMA5):c.9442T>C (p.Tyr3148His)

Gene: LAMA5 (laminin subunit alpha 5; minus strand). Cytogenetic location: 20q13.33.
Variant type: single nucleotide variant.
Coding change: c.9442T>C on transcript NM_005560.6 (MANE Select); coding-DNA position 9442, T replaced by C.
Protein change: p.Tyr3148His; replaces tyrosine 3148 with histidine.
Molecular consequence: missense variant.
Genome position (GRCh38, 1-based): chr20:62,312,235, A>G on the plus strand (T>C on the coding strand, the complement: LAMA5 is on the minus strand). VCF-style: chr20-62312235-A-G. GRCh37 (hg19) VCF-style: chr20-60887291-A-G.
Other names: short protein forms Y3148H.
Identifiers: ClinVar variation 1716785 (VCV001716785.5), dbSNP rs772100457, ClinGen allele CA409541129.

ClinVar aggregate classification (germline): Uncertain significance (1 of 4 stars; one submission).

Submission:

Labcorp Genetics (formerly Invitae), Labcorp
Classification: Uncertain significance. Last evaluated: 2022-08-19. Review status: criteria provided, single submitter. Criteria: Invitae Variant Classification Sherloc (09022015). Collection method: clinical testing. Allele origin: germline.
Comment: This sequence change replaces tyrosine, which is neutral and polar, with histidine, which is basic and polar, at codon 3148 of the LAMA5 protein (p.Tyr3148His). In summary, the available evidence is currently insufficient to determine the role of this variant in disease. Therefore, it has been classified as a Variant of Uncertain Significance. Algorithms developed to predict the effect of missense changes on protein structure and function (SIFT, PolyPhen-2, Align-GVGD) all suggest that this variant is likely to be tolerated. This variant has not been reported in the literature in individuals affected with LAMA5-related conditions. This variant is not present in population databases (gnomAD no frequency).